The following is an entry in ClinVar:

ClinVar aggregate classification (germline): Uncertain significance. Review status: criteria provided, multiple submitters, no conflicts (2 of 4 stars). 2 submissions from 2 submitters: Uncertain significance (2). Last evaluated 2025-08-01.

Submissions (2):

Ambry Genetics
Classification: Uncertain significance. Last evaluated: 2025-08-01. Review status: criteria provided, single submitter. Criteria: Ambry Variant Classification Scheme 2023. Collection method: clinical testing. Allele origin: germline.

Labcorp Genetics (formerly Invitae), Labcorp
Classification: Uncertain significance. Last evaluated: 2022-11-22. Review status: criteria provided, single submitter. Criteria: Invitae Variant Classification Sherloc (09022015). Collection method: clinical testing. Allele origin: germline.
Comment: In summary, the available evidence is currently insufficient to determine the role of this variant in disease. Therefore, it has been classified as a Variant of Uncertain Significance. Algorithms developed to predict the effect of missense changes on protein structure and function output the following: SIFT: "Tolerated"; PolyPhen-2: "Benign"; Align-GVGD: "Class C0". The proline amino acid residue is found in multiple mammalian species, which suggests that this missense change does not adversely affect protein function. This variant has not been reported in the literature in individuals affected with PLEKHG2-related conditions. This variant is present in population databases (rs764066772, gnomAD 0.004%). This sequence change replaces glutamine, which is neutral and polar, with proline, which is neutral and non-polar, at codon 1190 of the PLEKHG2 protein (p.Gln1190Pro).

NM_022835.3(PLEKHG2):c.3569A>C (p.Gln1190Pro)

Gene: PLEKHG2 (pleckstrin homology and RhoGEF domain containing G2; plus strand). Cytogenetic location: 19q13.2.
Variant type: single nucleotide variant.
Coding change: c.3569A>C on transcript NM_022835.3 (MANE Select); coding-DNA position 3569, A replaced by C.
Protein change: p.Gln1190Pro; replaces glutamine 1190 with proline.
Molecular consequence: missense variant. On other transcripts: intron variant (1).
Genome position (GRCh38, 1-based): chr19:39,424,702, A>C. VCF-style: chr19-39424702-A-C. GRCh37 (hg19) VCF-style: chr19-39915342-A-C.
Other names: c.3569A>C (NM_022835.2); c.3392A>C, p.Gln1131Pro (NM_001351693.2); c.1678-536A>C (NM_001351694.2); short protein forms Q1131P, Q1190P.
Identifiers: ClinVar variation 2149649 (VCV002149649.6), dbSNP rs764066772, ClinGen allele CA9430006.